The following is an entry in ClinVar:

ClinVar aggregate classification (germline): Benign. Review status: criteria provided, multiple submitters, no conflicts (2 of 4 stars). 3 submissions from 3 submitters: Benign (3). Last evaluated 2026-01-25.

Allele frequency attached by ClinVar (database versions not stated): ESP Exome Variant Server 0.02768; gnomAD 0.02858 and 0.02661; TOPMed 0.02992; 1000 Genomes Project 0.02796; 1000 Genomes Project 30x 0.03201.
gnomAD v4.1: 7,690 of 1,613,964 alleles (0.48%); highest among the groups gnomAD compares: African/African-American, 9.1%; 336 homozygotes.

Submissions (3):

Labcorp Genetics (formerly Invitae), Labcorp
Classification: Benign. Last evaluated: 2026-01-25. Review status: criteria provided, single submitter. Criteria: Invitae Variant Classification Sherloc (09022015). Collection method: clinical testing. Allele origin: germline.

GeneDx
Classification: Benign. Last evaluated: 2018-06-14. Review status: criteria provided, single submitter. Criteria: GeneDx Variant Classification (06012015). Collection method: clinical testing. Allele origin: germline. Affected: yes.
Comment: This variant is considered likely benign or benign based on one or more of the following criteria: it is a conservative change, it occurs at a poorly conserved position in the protein, it is predicted to be benign by multiple in silico algorithms, and/or has population frequency not consistent with disease.

Breakthrough Genomics
Classification: Benign. Review status: criteria provided, single submitter. Criteria: ACMG Guidelines, 2015. Collection method: not provided. Allele origin: germline. Inheritance: Autosomal recessive inheritance. Affected: yes.

NM_152464.3(VMA12):c.496C>G (p.Leu166Val)

Gene: VMA12 (vacuolar ATPase assembly factor VMA12; plus strand). Cytogenetic location: 17q11.2.
Variant type: single nucleotide variant.
Coding change: c.496C>G on transcript NM_152464.3 (MANE Select); coding-DNA position 496, C replaced by G.
Protein change: p.Leu166Val; replaces leucine 166 with valine.
Molecular consequence: missense variant.
Genome position (GRCh38, 1-based): chr17:28,360,812, C>G. VCF-style: chr17-28360812-C-G. GRCh37 (hg19) VCF-style: chr17-26687835-C-G.
Other names: short protein forms L166V.
Identifiers: ClinVar variation 672167 (VCV000672167.11), dbSNP rs36106147, ClinGen allele CA398316279.
Genomic context (GRCh38, chr17:28,360,812, plus strand): 5'-CTGGTCATCACCATCTTCAATTTCATTGTCACGGTGGTTGCTGCCTTCGTCTGCACTTAC[C>G]TTGGAAGCCAATATATCTTCACAGAAATGGCCTCGGTGAGTAGGCACTGGGCAGGGCAGG-3'
Protein context (NP_689677.1, residues 156-176): TVVAAFVCTY[Leu166Val]GSQYIFTEMA